The following is an entry in ClinVar:

NM_006904.7(PRKDC):c.8852A>C (p.Gln2951Pro)

Gene: PRKDC (protein kinase, DNA-activated, catalytic subunit; minus strand). Cytogenetic location: 8q11.21.
Variant type: single nucleotide variant.
Coding change: c.8852A>C on transcript NM_006904.7 (MANE Select); coding-DNA position 8852, A replaced by C.
Protein change: p.Gln2951Pro; replaces glutamine 2951 with proline.
Molecular consequence: missense variant.
Genome position (GRCh38, 1-based): chr8:47,823,928, T>G on the plus strand (A>C on the coding strand, the complement: PRKDC is on the minus strand). VCF-style: chr8-47823928-T-G. GRCh37 (hg19) VCF-style: chr8-48736489-T-G.
Other names: c.8852A>C, p.Gln2951Pro (NM_001081640.2); short protein forms Q2951P.
Identifiers: ClinVar variation 1764886 (VCV001764886.2), dbSNP rs2551865873, ClinGen allele CA371142413.

ClinVar aggregate classification (germline): Uncertain significance (1 of 4 stars; one submission).

Submission:

Ambry Genetics
Classification: Uncertain significance. Last evaluated: 2021-06-18. Review status: criteria provided, single submitter. Criteria: Ambry Variant Classification Scheme 2023. Collection method: clinical testing. Allele origin: germline.
Comment: The p.Q2951P variant (also known as c.8852A>C), located in coding exon 64 of the PRKDC gene, results from an A to C substitution at nucleotide position 8852. The glutamine at codon 2951 is replaced by proline, an amino acid with similar properties. This amino acid position is conserved. In addition, this alteration is predicted to be tolerated by in silico analysis. Since supporting evidence is limited at this time, the clinical significance of this alteration remains unclear.